The following is an entry in ClinVar:

ClinVar aggregate classification (germline): Pathogenic/Likely pathogenic. Review status: criteria provided, multiple submitters, no conflicts (2 of 4 stars). 2 submissions from 2 submitters: Pathogenic (1); Likely pathogenic (1). Last evaluated 2026-01-26.

Conditions:
Joubert syndrome. Also called: CEREBELLOPARENCHYMAL DISORDER IV; JOUBERT-BOLTSHAUSER SYNDROME; Familial aplasia of the vermis. Identifiers: Orphanet 475, MedGen C5979921, MONDO:0018772.
Meckel-Gruber syndrome. Also called: DYSENCEPHALIA SPLANCHNOCYSTICA; GRUBER SYNDROME; Dysencephalia splachnocystica. Identifiers: Orphanet 564, MedGen C0265215, MONDO:0018921.

Allele frequency attached by ClinVar (database versions not stated): TOPMed 0.00001.

Submissions (2):

Natera, Inc.
Classification: Likely pathogenic for Joubert syndrome. Last evaluated: 2026-01-26. Review status: criteria provided, single submitter. Criteria: Natera Variant Classification Schema (03/2026). Collection method: clinical testing. Allele origin: germline.
Comment: The c.2565C>A variant in RPGRIP1L is a nonsense variant predicted to introduce a stop codon at amino acid 855. This variant is expected to result in nonsense mediated decay, truncation, or a dysfunctional protein product. This variant is rare in the general population with a frequency below the threshold expected for the associated phenotype(s). Given the available evidence, this variant is classified as Likely Pathogenic.

Labcorp Genetics (formerly Invitae), Labcorp
Classification: Pathogenic for Joubert syndrome; Meckel-Gruber syndrome. Last evaluated: 2023-04-14. Review status: criteria provided, single submitter. Criteria: Invitae Variant Classification Sherloc (09022015). Collection method: clinical testing. Allele origin: germline.
Comment: For these reasons, this variant has been classified as Pathogenic. This variant has not been reported in the literature in individuals affected with RPGRIP1L-related conditions. This variant is not present in population databases (gnomAD no frequency). This sequence change creates a premature translational stop signal (p.Tyr855*) in the RPGRIP1L gene. It is expected to result in an absent or disrupted protein product. Loss-of-function variants in RPGRIP1L are known to be pathogenic (PMID: 17558409).

Literature cited by the submitters: PubMed 17558409 (cited by Labcorp Genetics (formerly Invitae), Labcorp).

NM_015272.5(RPGRIP1L):c.2565C>A (p.Tyr855Ter)

Gene: RPGRIP1L (RPGRIP1 like; minus strand). Cytogenetic location: 16q12.2.
Variant type: single nucleotide variant.
Coding change: c.2565C>A on transcript NM_015272.5 (MANE Select); coding-DNA position 2565, C replaced by A.
Protein change: p.Tyr855Ter; replaces tyrosine 855 with a stop codon.
Molecular consequence: nonsense.
Genome position (GRCh38, 1-based): chr16:53,645,743, G>T on the plus strand (C>A on the coding strand, the complement: RPGRIP1L is on the minus strand). VCF-style: chr16-53645743-G-T. GRCh37 (hg19) VCF-style: chr16-53679655-G-T.
Other names: c.2565C>A, p.Tyr855Ter (NM_001127897.4, NM_001308334.3, NM_001330538.2); c.2565C>A (NM_015272.4); short protein forms Y855*.
Identifiers: ClinVar variation 2946693 (VCV002946693.4), dbSNP rs886052096, ClinGen allele CA281339125.